The following is an entry in ClinVar:

ClinVar aggregate classification (germline): Uncertain significance. Review status: criteria provided, multiple submitters, no conflicts (2 of 4 stars). 3 submissions from 3 submitters: Uncertain significance (2). 1 of the submissions does not count toward it. Last evaluated 2025-03-17.

Conditions:
Alpha thalassemia-X-linked intellectual disability syndrome (ATRX). Also called: ALPHA-THALASSEMIA/IMPAIRED INTELLECTUAL DEVELOPMENT SYNDROME, X-LINKED; ALPHA-THALASSEMIA/MENTAL RETARDATION SYNDROME, X-LINKED; ATR, NONDELETION TYPE; X-linked alpha-thalassemia-mental retardation syndrome; ATR-X syndrome; Alpha thalassemia mental retardation syndrome, nondeletion type, X-linked. Identifiers: Orphanet 847, MedGen C1845055, MONDO:0010519, OMIM 301040.

Submissions (3):

Labcorp Genetics (formerly Invitae), Labcorp
Classification: Uncertain significance for Alpha thalassemia-X-linked intellectual disability syndrome. Last evaluated: 2025-03-17. Review status: criteria provided, single submitter. Criteria: Invitae Variant Classification Sherloc (09022015). Collection method: clinical testing. Allele origin: germline.
Comment: This variant, c.4344_4358del, results in the deletion of 5 amino acid(s) of the ATRX protein (p.Lys1449_Glu1453del), but otherwise preserves the integrity of the reading frame. The frequency data for this variant in the population databases is considered unreliable, as metrics indicate poor data quality at this position in the gnomAD database. This variant has not been reported in the literature in individuals affected with ATRX-related conditions. ClinVar contains an entry for this variant (Variation ID: 646095). Experimental studies and prediction algorithms are not available or were not evaluated, and the functional significance of this variant is currently unknown. In summary, the available evidence is currently insufficient to determine the role of this variant in disease. Therefore, it has been classified as a Variant of Uncertain Significance.

GeneDx
Classification: Uncertain significance. Last evaluated: 2023-01-17. Review status: criteria provided, single submitter. Criteria: GeneDx Variant Classification Process June 2021. Collection method: clinical testing. Allele origin: germline. Affected: yes.
Comment: Not observed at significant frequency in large population cohorts (gnomAD); In-frame deletion of 5 amino acids in a repetitive region with no known function; Has not been previously published as pathogenic or benign to our knowledge

Natera, Inc.
Classification: Uncertain significance for X-linked alpha-thalassemia-mental retardation syndrome. Last evaluated: 2020-07-31. Review status: no assertion criteria provided. Collection method: clinical testing. Allele origin: germline. Not counted in ClinVar's aggregate classification.

NM_000489.6(ATRX):c.4344_4358del (p.Lys1449_Glu1453del)

Gene: ATRX (ATRX chromatin remodeler; minus strand). Cytogenetic location: Xq21.1.
Variant type: Deletion.
Coding change: c.4344_4358del on transcript NM_000489.6 (MANE Select); coding-DNA positions 4344 to 4358, 15 bases deleted (AAAAGAAGAGGAGGA).
Protein change: p.Lys1449_Glu1453del.
Molecular consequence: inframe deletion.
Genome position (GRCh38, 1-based): chrX:77,652,313-77,652,327, TCCTCCTCTTCTTTT deleted on the plus strand (AAAAGAAGAGGAGGA on the coding strand, the reverse complement: ATRX is on the minus strand); deleting any 15 consecutive bases within chrX:77,652,313-77,652,340 gives the same sequence; the c. name uses the placement nearest the transcript's 3' end. VCF-style (leftmost placement, unchanged base first): chrX-77652312-CTCCTCCTCTTCTTTT-C. GRCh37 (hg19) VCF-style: chrX-76907802-CTCCTCCTCTTCTTTT-C.
Other names: c.4344_4358del (NM_000489.3); c.4230_4244del, p.Lys1411_Glu1415del (NM_138270.5).
Identifiers: ClinVar variation 646095 (VCV000646095.10), dbSNP rs1557117436, ClinGen allele CA643006433.
Genomic context (GRCh38, chrX:77,652,312, plus strand): 5'-AGGAGACTTGGAATCATCATTTTCATCTTCCTCCTCCTCTTCCTCCTCCTCCTCCTCTTC[CTCCTCCTCTTCTTTT>C]TCCTCCTCTTCTTCCTCAGAATTACTCTACAGAATTTAAACAATTAGAGGTAAACAGTAC-3'